The following is an entry in ClinVar:

NM_000051.4(ATM):c.2578G>C (p.Asp860His)

Gene: ATM (ATM serine/threonine kinase; plus strand). Cytogenetic location: 11q22.3.
Variant type: single nucleotide variant.
Coding change: c.2578G>C on transcript NM_000051.4 (MANE Select); coding-DNA position 2578, G replaced by C.
Protein change: p.Asp860His; replaces aspartic acid 860 with histidine.
Molecular consequence: missense variant.
Genome position (GRCh38, 1-based): chr11:108,267,282, G>C. VCF-style: chr11-108267282-G-C. GRCh37 (hg19) VCF-style: chr11-108138009-G-C.
Other names: c.2578G>C, p.Asp860His (NM_001351834.2); short protein forms D860H.
Identifiers: ClinVar variation 633058 (VCV000633058.13), dbSNP rs587779825, ClinGen allele CA382543918.
Genomic context (GRCh38, chr11:108,267,282, plus strand): 5'-GATGATACTAATGGAAATCTAATGGAGGTGGAGGATCAGTCATCCATGAATCTATTTAAC[G>C]ATTACCCTGATAGTAGTGTTAGTGATGCAAACGAACCTGGAGAGAGCCAAAGTACCATAG-3'
Protein context (NP_000042.3, residues 850-870): EDQSSMNLFN[Asp860His]YPDSSVSDAN

ClinVar aggregate classification (germline): Uncertain significance. Review status: criteria provided, multiple submitters, no conflicts (2 of 4 stars). 4 submissions from 4 submitters: Uncertain significance (3). 1 of the submissions does not count toward it. Last evaluated 2024-04-10.

Conditions:
Hereditary cancer-predisposing syndrome. Also called: Hereditary Cancer Syndrome; Neoplastic Syndromes, Hereditary; Tumor predisposition; Hereditary neoplastic syndrome. Identifiers: Orphanet 140162, MedGen C0027672, MeSH D009386, MONDO:0015356.
Ataxia-telangiectasia syndrome (AT). Also called: Ataxia-telangiectasia, complementation group D; AT, COMPLEMENTATION GROUP C; Ataxia-telangiectasia; ATAXIA-TELANGIECTASIA, COMPLEMENTATION GROUP A; ATAXIA-TELANGIECTASIA, FRESNO VARIANT; LOUIS-BAR SYNDROME. Identifiers: Orphanet 100, MedGen C0004135, MONDO:0008840, OMIM 208900.

Submissions (4):

Ambry Genetics
Classification: Uncertain significance for Hereditary cancer-predisposing syndrome. Last evaluated: 2024-04-10. Review status: criteria provided, single submitter. Criteria: Ambry Variant Classification Scheme 2023. Collection method: clinical testing. Allele origin: germline.
Comment: The p.D860H variant (also known as c.2578G>C), located in coding exon 16 of the ATM gene, results from a G to C substitution at nucleotide position 2578. The aspartic acid at codon 860 is replaced by histidine, an amino acid with similar properties. This amino acid position is well conserved in available vertebrate species. In addition, this alteration is predicted to be tolerated by in silico analysis. Since supporting evidence is limited at this time, the clinical significance of this alteration remains unclear.

Labcorp Genetics (formerly Invitae), Labcorp
Classification: Uncertain significance for Ataxia-telangiectasia syndrome. Last evaluated: 2024-03-27. Review status: criteria provided, single submitter. Criteria: Invitae Variant Classification Sherloc (09022015). Collection method: clinical testing. Allele origin: germline.
Comment: This sequence change replaces aspartic acid, which is acidic and polar, with histidine, which is basic and polar, at codon 860 of the ATM protein (p.Asp860His). This variant is not present in population databases (gnomAD no frequency). This variant has not been reported in the literature in individuals affected with ATM-related conditions. ClinVar contains an entry for this variant (Variation ID: 633058). An algorithm developed to predict the effect of missense changes on protein structure and function (PolyPhen-2) suggests that this variant is likely to be tolerated. In summary, the available evidence is currently insufficient to determine the role of this variant in disease. Therefore, it has been classified as a Variant of Uncertain Significance.

Women's Health and Genetics/Laboratory Corporation of America, LabCorp
Classification: Uncertain significance. Last evaluated: 2018-05-25. Review status: criteria provided, single submitter. Criteria: LabCorp Variant Classification Summary - May 2015. Collection method: clinical testing. Allele origin: germline.
Comment: Variant summary: ATM c.2578G>C (p.Asp860His) results in a non-conservative amino acid change in the encoded protein sequence. Three of five in-silico tools predict a damaging effect of the variant on protein function. The variant was absent in 121326 control chromosomes. The available data on variant occurrences in the general population are insufficient to allow any conclusion about variant significance. To our knowledge, no occurrence of c.2578G>C in individuals affected with Ataxia-Telangiectasia and no experimental evidence demonstrating its impact on protein function have been reported. No clinical diagnostic laboratories have submitted clinical-significance assessments for this variant to ClinVar after 2014. Based on the evidence outlined above, the variant was classified as uncertain significance.

Natera, Inc.
Classification: Uncertain significance for Ataxia-telangiectasia. Last evaluated: 2019-12-31. Review status: no assertion criteria provided. Collection method: clinical testing. Allele origin: germline. Not counted in ClinVar's aggregate classification.